The following is an entry in ClinVar:

ClinVar aggregate classification (germline): Conflicting classifications of pathogenicity. Review status: criteria provided, conflicting classifications (1 of 4 stars). 4 submissions from 4 submitters: Uncertain significance (1); Likely benign (3). Last evaluated 2026-09-25.

Conditions:
Alagille syndrome due to a NOTCH2 point mutation. Also called: Alagille syndrome 2. Identifiers: Orphanet 261629, Orphanet 52, MedGen C1857761, MONDO:0012439, OMIM 610205.
Hajdu-Cheney syndrome (HJCYS). Also called: ACROOSTEOLYSIS WITH OSTEOPOROSIS AND CHANGES IN SKULL AND MANDIBLE; SERPENTINE FIBULA-POLYCYSTIC KIDNEY SYNDROME; Acroosteolysis dominant type. Identifiers: Orphanet 955, MedGen C0917715, MONDO:0007057, OMIM 102500.
NOTCH2-related disorder. Also called: NOTCH2-related condition.

Allele frequency attached by ClinVar (database versions not stated): gnomAD 0.00003 and 0.00005; TOPMed 0.00004; gnomAD exomes 0.00007 and 0.00008; ExAC 0.00013; ESP Exome Variant Server 0.00015; 1000 Genomes Project 30x 0.00016; 1000 Genomes Project 0.00020.
gnomAD v4.1: 112 of 1,613,824 alleles (0.0069%); highest among the groups gnomAD compares: East Asian, 0.14%; no homozygotes.

Submissions (4):

PreventionGenetics, part of Exact Sciences
Classification: Likely benign for NOTCH2-related condition. Last evaluated: 2026-09-25. Review status: criteria provided, single submitter. Criteria: ACMG Guidelines, 2015. Collection method: clinical testing. Allele origin: germline.
Comment: This variant is classified as likely benign based on ACMG/AMP sequence variant interpretation guidelines (Richards et al. 2015 PMID: 25741868, with internal and published modifications).

Women's Health and Genetics/Laboratory Corporation of America, LabCorp
Classification: Likely benign. Last evaluated: 2025-10-07. Review status: criteria provided, single submitter. Criteria: LabCorp Variant Classification Summary - May 2015. Collection method: clinical testing. Allele origin: germline.
Comment: Variant summary: NOTCH2 c.5684G>A (p.Arg1895His) results in a non-conservative amino acid change in the encoded protein sequence. Algorithms developed to predict the effect of missense changes on protein structure and function are either unavailable or do not agree on the potential impact of this missense change. The variant allele was found at a frequency of 8.4e-05 in 251376 control chromosomes (gnomAD). c.5684G>A has been observed in an individual affected with Congenital Anomalies of the Kidney and Urinary Tract, without strong evidence for causality (Ahn_2020). This report does not provide unequivocal conclusions about association of the variant with Hajdu-Cheney Syndrome. To our knowledge, no experimental evidence demonstrating an impact on protein function has been reported. The following publication has been ascertained in the context of this evaluation (PMID: 32164334). ClinVar contains an entry for this variant (Variation ID: 952730). Based on the evidence outlined above, the variant was classified as likely benign.

Labcorp Genetics (formerly Invitae), Labcorp
Classification: Likely benign for Hajdu-Cheney syndrome. Last evaluated: 2025-09-16. Review status: criteria provided, single submitter. Criteria: Invitae Variant Classification Sherloc (09022015). Collection method: clinical testing. Allele origin: germline.

Fulgent Genetics
Classification: Uncertain significance for Hajdu-Cheney syndrome; Alagille syndrome due to a NOTCH2 point mutation. Last evaluated: 2022-05-05. Review status: criteria provided, single submitter. Criteria: ACMG Guidelines, 2015. Collection method: clinical testing. Allele origin: unknown.

Literature cited by the submitters: PubMed 32164334 (cited by Women's Health and Genetics/Laboratory Corporation of America, LabCorp).

NM_024408.4(NOTCH2):c.5684G>A (p.Arg1895His)

Gene: NOTCH2 (notch receptor 2; minus strand). Cytogenetic location: 1p12.
Variant type: single nucleotide variant.
Coding change: c.5684G>A on transcript NM_024408.4 (MANE Select); coding-DNA position 5684, G replaced by A.
Protein change: p.Arg1895His; replaces arginine 1895 with histidine.
Molecular consequence: missense variant.
Genome position (GRCh38, 1-based): chr1:119,919,409, C>T on the plus strand (G>A on the coding strand, the complement: NOTCH2 is on the minus strand). VCF-style: chr1-119919409-C-T. GRCh37 (hg19) VCF-style: chr1-120462032-C-T.
Other names: short protein forms R1895H.
Identifiers: ClinVar variation 952730 (VCV000952730.10), dbSNP rs201996575, ClinGen allele CA1039585.
Genomic context (GRCh38, chr1:119,919,409, plus strand): 5'-TGGAGTGGACAGCGGCCCATGTTGTCCTGGGCATTGGCATCTGCACCTGCATCCAGGAGA[C>T]GCTTGGCAGCATCAGCCCGTGAGTAGCGGGCTGCAAGGTGCAGGGCCATCTCACCAGTCC-3'
Protein context (NP_077719.2, residues 1885-1905): ARYSRADAAK[Arg1895His]LLDAGADANA